The following is an entry in ClinVar:

ClinVar aggregate classification (germline): Conflicting classifications of pathogenicity. Review status: criteria provided, conflicting classifications (1 of 4 stars). 3 submissions from 3 submitters: Uncertain significance (1); Likely benign (2). Last evaluated 2025-12-01.

Conditions:
Medulloblastoma (MDB). Also called: MEDULLOBLASTOMA PREDISPOSITION SYNDROME; Medulloblastoma, somatic. Identifiers: Orphanet 616, MedGen C0025149, MeSH D008527, MONDO:0007959, OMIM 155255, HP:0002885.
Gorlin syndrome. Also called: Nevoid Basal Cell Carcinoma Syndrome; Basal cell nevus syndrome. Identifiers: Orphanet 377, MedGen C0004779, MONDO:0007187.
Hereditary cancer-predisposing syndrome. Also called: Tumor predisposition; Hereditary neoplastic syndrome; Neoplastic Syndromes, Hereditary; Hereditary Cancer Syndrome. Identifiers: Orphanet 140162, MedGen C0027672, MeSH D009386, MONDO:0015356.

Allele frequency attached by ClinVar (database versions not stated): gnomAD exomes 0.00001.
gnomAD v4.1: 12 of 1,614,122 alleles (0.00074%); highest among the groups gnomAD compares: Non-Finnish European, 0.00085%; no homozygotes.

Submissions (3):

Labcorp Genetics (formerly Invitae), Labcorp
Classification: Likely benign for Gorlin syndrome; Medulloblastoma. Last evaluated: 2025-12-01. Review status: criteria provided, single submitter. Criteria: Invitae Variant Classification Sherloc (09022015). Collection method: clinical testing. Allele origin: germline.

GeneDx
Classification: Uncertain significance. Last evaluated: 2023-05-02. Review status: criteria provided, single submitter. Criteria: GeneDx Variant Classification Process June 2021. Collection method: clinical testing. Allele origin: germline. Affected: yes.
Comment: Not observed at significant frequency in large population cohorts (gnomAD); In silico analysis supports that this variant does not alter splicing; Has not been previously published as pathogenic or benign to our knowledge

Ambry Genetics
Classification: Likely benign for Hereditary cancer-predisposing syndrome. Last evaluated: 2020-04-06. Review status: criteria provided, single submitter. Criteria: Ambry Variant Classification Scheme 2023. Collection method: clinical testing. Allele origin: germline.

NM_016169.4(SUFU):c.1122C>T (p.Asn374=)

Gene: SUFU (SUFU negative regulator of hedgehog signaling; plus strand). Cytogenetic location: 10q24.32.
Variant type: single nucleotide variant.
Coding change: c.1122C>T on transcript NM_016169.4 (MANE Select); coding-DNA position 1122, C replaced by T.
Protein change: p.Asn374=; no amino-acid change (asparagine 374 retained).
Molecular consequence: synonymous variant.
Genome position (GRCh38, 1-based): chr10:102,615,367, C>T. VCF-style: chr10-102615367-C-T. GRCh37 (hg19) VCF-style: chr10-104375124-C-T.
Other names: c.1122C>T, p.Asn374= (NM_001178133.2).
Identifiers: ClinVar variation 703173 (VCV000703173.13), dbSNP rs1590082264, ClinGen allele CA471286404.